The following is an entry in ClinVar:

ClinVar aggregate classification (germline): Uncertain significance. Review status: criteria provided, multiple submitters, no conflicts (2 of 4 stars). 3 submissions from 3 submitters: Uncertain significance (3). Last evaluated 2025-09-26.

Conditions:
CFI-related disorder. Also called: CFI-related condition; CFI-related disorders. Identifiers: MedGen CN239325.

Allele frequency attached by ClinVar (database versions not stated): gnomAD exomes 0.00001; TOPMed below 0.00001.
gnomAD v4.1: 5 of 1,614,158 alleles (0.00031%); highest among the groups gnomAD compares: Non-Finnish European, 0.00042%; no homozygotes.

Submissions (3):

Genomenon, Inc
Classification: Uncertain significance for CFI-related disorder. Last evaluated: 2025-09-26. Review status: criteria provided, single submitter. Criteria: Genomenon Sequence Variant Interpretation Standards - Updated. Collection method: curation. Allele origin: germline. Affected: no.
Comment: CFI p.Asp524Tyr (c.1570G>T) is a missense variant that changes the amino acid at residue 524 from Aspartic acid to Tyrosine. This variant has been reported in the published literature (PMID:34746741). The variant is located in a mutational hotspot. It is absent or not present at a significant frequency in gnomAD. In silico models agree that this variant is possibly or probably damaging. In conclusion, we classify CFI p.Asp524Tyr (c.1570G>T) as a variant of unknown significance.

GeneDx
Classification: Uncertain significance. Last evaluated: 2019-07-23. Review status: criteria provided, single submitter. Criteria: GeneDx Variant Classification Process June 2021. Collection method: clinical testing. Allele origin: germline. Affected: yes.
Comment: Not observed in large population cohorts (Lek et al., 2016); In silico analysis, which includes protein predictors and evolutionary conservation, supports a deleterious effect; Has not been previously published as pathogenic or benign to our knowledge

Mayo Clinic Laboratories, Mayo Clinic
Classification: Uncertain significance. Last evaluated: 2019-06-23. Review status: criteria provided, single submitter. Criteria: ACMG Guidelines, 2015. Collection method: clinical testing. Allele origin: germline. Observed: 1 variant allele.

Literature cited by the submitters: PubMed 34746741 (cited by Genomenon, Inc).

NM_000204.5(CFI):c.1570G>T (p.Asp524Tyr)

Gene: CFI (complement factor I; minus strand). Cytogenetic location: 4q25.
Variant type: single nucleotide variant.
Coding change: c.1570G>T on transcript NM_000204.5 (MANE Select); coding-DNA position 1570, G replaced by T.
Protein change: p.Asp524Tyr; replaces aspartic acid 524 with tyrosine.
Molecular consequence: missense variant. On other transcripts: non-coding transcript variant (3), intron variant (5).
Genome position (GRCh38, 1-based): chr4:109,741,075, C>A on the plus strand (G>T on the coding strand, the complement: CFI is on the minus strand). VCF-style: chr4-109741075-C-A. GRCh37 (hg19) VCF-style: chr4-110662231-C-A.
Other names: c.1594G>T, p.Asp532Tyr (NM_001318057.2); c.1549G>T, p.Asp517Tyr (NM_001331035.2); c.1513G>T, p.Asp505Tyr (NM_001375283.1); c.961G>T, p.Asp321Tyr (NM_001375284.1); c.1513+1416G>T (NM_001375282.1, NM_001375280.1); c.1534+1416G>T (NM_001375281.1, NM_001375279.1); c.1558+1416G>T (NM_001375278.1); short protein forms D321Y, D505Y, D517Y, D524Y, D532Y.
Identifiers: ClinVar variation 1162963 (VCV001162963.8), dbSNP rs1289756969, ClinGen allele CA357854666.